The following is an entry in ClinVar:

NM_001101648.2(NPC1L1):c.3617T>A (p.Ile1206Asn)

Gene: NPC1L1 (NPC1 like intracellular cholesterol transporter 1; minus strand). Cytogenetic location: 7p13.
Variant type: single nucleotide variant.
Coding change: c.3617T>A on transcript NM_001101648.2 (MANE Select); coding-DNA position 3617, T replaced by A.
Protein change: p.Ile1206Asn; replaces isoleucine 1206 with asparagine.
Molecular consequence: missense variant.
Genome position (GRCh38, 1-based): chr7:44,516,100, A>T on the plus strand (T>A on the coding strand, the complement: NPC1L1 is on the minus strand). VCF-style: chr7-44516100-A-T. GRCh37 (hg19) VCF-style: chr7-44555699-A-T.
Other names: c.3698T>A, p.Ile1233Asn (NM_013389.3); short protein forms I1233N, I1206N.
Identifiers: ClinVar variation 2621 (VCV000002621.5), dbSNP rs52815063, ClinGen allele CA115648.

ClinVar aggregate classification (germline): Likely benign. Review status: criteria provided, multiple submitters, no conflicts (2 of 4 stars). 3 submissions from 3 submitters: Likely benign (2). 1 of the submissions does not count toward it. Last evaluated 2016-03-29.

Conditions:
Ezetimibe response. Also called: EZETIMIBE, NONRESPONSE TO. Identifiers: MedGen C1842722.

Allele frequency attached by ClinVar (database versions not stated): 1000 Genomes Project 30x 0.00390; 1000 Genomes Project 0.00459; TOPMed 0.00669; gnomAD 0.00785 and 0.00800; gnomAD exomes 0.00787 and 0.01217; ExAC 0.00899.
gnomAD v4.1: 18,941 of 1,612,224 alleles (1.2%); highest among the groups gnomAD compares: Non-Finnish European, 1.4%; 148 homozygotes.

Submissions (3):

Laboratory for Molecular Medicine, Mass General Brigham Personalized Medicine
Classification: Likely benign. Last evaluated: 2016-03-29. Review status: criteria provided, single submitter. Criteria: LMM Criteria. Collection method: clinical testing. Allele origin: germline.
Comment: Variant identified in a genome or exome case(s) and assessed due to predicted null impact of the variant or pathogenic assertions in the literature or databases. Disclaimer: This variant has not undergone full assessment. The following are preliminary notes: Frequency in ESP (all): 124/13006=0.95%; In EUR: 116/8600=1.34%

Breakthrough Genomics
Classification: Likely benign. Review status: criteria provided, single submitter. Criteria: ACMG Guidelines, 2015. Collection method: not provided. Allele origin: germline. Inheritance: Unknown mechanism. Affected: yes.

OMIM
Classification: drug response for EZETIMIBE, NONRESPONSE TO. Last evaluated: 2005-02-01. Review status: no assertion criteria provided. Collection method: literature only. Allele origin: germline. Not counted in ClinVar's aggregate classification.

Literature cited by the submitters: PubMed 15679830 (cited by OMIM).